The following is an entry in ClinVar:

ClinVar aggregate classification (germline): Likely benign. Review status: criteria provided, multiple submitters, no conflicts (2 of 4 stars). 3 submissions from 3 submitters: Likely benign (2). 1 of the submissions does not count toward it. Last evaluated 2025-12-01.

Conditions:
Stuve-Wiedemann syndrome (STWS). Also called: Stüve-Wiedemann syndrome. Identifiers: Orphanet 3206, MedGen C0796176, MONDO:0031280.

Allele frequency attached by ClinVar (database versions not stated): gnomAD 0.00003; gnomAD exomes 0.00003 and 0.00008; ExAC 0.00007; ESP Exome Variant Server 0.00008; TOPMed 0.00010.
gnomAD v4.1: 47 of 1,610,182 alleles (0.0029%); highest among the groups gnomAD compares: Admixed American, 0.037%; no homozygotes.

Submissions (3):

CeGaT Center for Human Genetics Tuebingen
Classification: Likely benign. Last evaluated: 2025-12-01. Review status: criteria provided, single submitter. Criteria: CeGaT Center For Human Genetics Tuebingen Variant Classification Criteria Version 2. Collection method: clinical testing. Allele origin: germline. Affected: yes. Observed: 1 variant allele.
Comment: LIFR: BP4, BP7

Labcorp Genetics (formerly Invitae), Labcorp
Classification: Likely benign. Last evaluated: 2025-08-19. Review status: criteria provided, single submitter. Criteria: Invitae Variant Classification Sherloc (09022015). Collection method: clinical testing. Allele origin: germline.

Natera, Inc.
Classification: Likely benign for Stuve-Wiedemann syndrome. Last evaluated: 2020-09-14. Review status: no assertion criteria provided. Collection method: clinical testing. Allele origin: germline. Not counted in ClinVar's aggregate classification.

NM_001127671.2(LIFR):c.1221T>C (p.Asn407=)

Gene: LIFR (LIF receptor subunit alpha; minus strand). Cytogenetic location: 5p13.1.
Variant type: single nucleotide variant.
Coding change: c.1221T>C on transcript NM_001127671.2 (MANE Select); coding-DNA position 1221, T replaced by C.
Protein change: p.Asn407=; no amino-acid change (asparagine 407 retained).
Molecular consequence: synonymous variant.
Genome position (GRCh38, 1-based): chr5:38,505,975, A>G on the plus strand (T>C on the coding strand, the complement: LIFR is on the minus strand). VCF-style: chr5-38505975-A-G. GRCh37 (hg19) VCF-style: chr5-38506077-A-G.
Other names: c.1221T>C, p.Asn407= (NM_002310.6, NM_001364297.2, NM_001364298.2).
Identifiers: ClinVar variation 765306 (VCV000765306.16), dbSNP rs372077841, ClinGen allele CA3243010.